The following is an entry in ClinVar:

NM_175875.5(SIX5):c.2215C>T (p.Leu739=)

Gene: SIX5 (SIX homeobox 5; minus strand). Cytogenetic location: 19q13.32.
Variant type: single nucleotide variant.
Coding change: c.2215C>T on transcript NM_175875.5 (MANE Select); coding-DNA position 2215, C replaced by T.
Protein change: p.Leu739=; no amino-acid change (leucine 739 retained).
Molecular consequence: synonymous variant.
Genome position (GRCh38, 1-based): chr19:45,765,506, G>A on the plus strand (C>T on the coding strand, the complement: SIX5 is on the minus strand). VCF-style: chr19-45765506-G-A. GRCh37 (hg19) VCF-style: chr19-46268764-G-A.
Other names: c.2215C>T (NM_175875.4).
Identifiers: ClinVar variation 1662126 (VCV001662126.9), dbSNP rs139368585, ClinGen allele CA9520388.

ClinVar aggregate classification (germline): Likely benign. Review status: criteria provided, multiple submitters, no conflicts (2 of 4 stars). 2 submissions from 2 submitters: Likely benign (2). Last evaluated 2024-11-18.

Conditions:
SIX5-related disorder. Also called: SIX5-related condition.

Allele frequency attached by ClinVar (database versions not stated): gnomAD 0.00001; TOPMed 0.00003; ESP Exome Variant Server 0.00015.
gnomAD v4.1: 5 of 1,613,300 alleles (0.00031%); highest among the groups gnomAD compares: African/African-American, 0.0013%; no homozygotes.

Submissions (2):

PreventionGenetics, part of Exact Sciences
Classification: Likely benign for SIX5-related condition. Last evaluated: 2024-11-18. Review status: criteria provided, single submitter. Criteria: ACMG Guidelines, 2015. Collection method: clinical testing. Allele origin: germline.
Comment: This variant is classified as likely benign based on ACMG/AMP sequence variant interpretation guidelines (Richards et al. 2015 PMID: 25741868, with internal and published modifications).

Labcorp Genetics (formerly Invitae), Labcorp
Classification: Likely benign. Last evaluated: 2023-10-22. Review status: criteria provided, single submitter. Criteria: Invitae Variant Classification Sherloc (09022015). Collection method: clinical testing. Allele origin: germline.